The following is an entry in ClinVar:

ClinVar aggregate classification (germline): Pathogenic/Likely pathogenic. Review status: criteria provided, multiple submitters, no conflicts (2 of 4 stars). 6 submissions from 6 submitters: Pathogenic (2); Likely pathogenic (3). 1 of the submissions does not count toward it. Last evaluated 2023-12-21.

Conditions:
Dilated cardiomyopathy 1NN. Identifiers: Orphanet 154, MedGen C4014656, MONDO:0014396, OMIM 615916.
RASopathy. Also called: Noonan spectrum disorder; rasopathies. Identifiers: Orphanet 536391, MedGen C5555857, MONDO:0021060.
Noonan syndrome (NS). Also called: Noonan's syndrome. Identifiers: Orphanet 648, MedGen C0028326, MeSH D009634, MONDO:0018997. Disease mechanism: gain of function.
Noonan syndrome 5 (NS5). Also called: RAF1-Related Noonan Syndrome. Identifiers: Orphanet 648, MedGen C1969057, MONDO:0012690, OMIM 611553. Disease mechanism: gain of function.

Submissions (6):

Victorian Clinical Genetics Services, Murdoch Childrens Research Institute
Classification: Pathogenic for Noonan syndrome 5. Last evaluated: 2023-12-21. Review status: criteria provided, single submitter. Criteria: ACMG Guidelines, 2015. Collection method: clinical testing. Allele origin: germline. Inheritance: Autosomal dominant inheritance. Affected: yes.
Comment: Based on the classification scheme VCGS_Germline_v1.3.4, this variant is classified as Pathogenic. Following criteria are met: 0103 - Loss of function and gain of function are known mechanisms of disease in this gene. Gain of function is associated with Noonan (MIM#611553) and LEOPARD syndromes (MIM#2611554), while loss of function is associated with non-HCM-associated variants (PMIDs: 17603483, 17603482). (I) 0107 - This gene is associated with autosomal dominant disease. (I) 0200 - Variant is predicted to result in a missense amino acid change from phenylalanine to leucine. (I) 0251 - This variant is heterozygous. (I) 0301 - Variant is absent from gnomAD (both v2 and v3). (SP) 0502 - Missense variant with conflicting in silico predictions and uninformative conservation. (I) 0600 - Variant is located in the annotated protein tyrosine and serine/threonine kinase (DECIPHER). (I) 0705 - No comparable missense variants have previous evidence for pathogenicity. (I) 0801 - This variant has strong previous evidence of pathogenicity in unrelated individuals. This variant has been classified as pathogenic or likely pathogenic by clinical laboratories in ClinVar; one of these laboratories reported the variant as de novo. This variant has also been observed in an individual with Noonan syndrome (PMID: 31560489). (SP)

Institute of Medical Genetics and Applied Genomics, University Hospital Tübingen
Classification: Likely pathogenic for Dilated cardiomyopathy 1NN. Last evaluated: 2023-11-30. Review status: criteria provided, single submitter. Criteria: ACMG Guidelines, 2015. Collection method: clinical testing. Allele origin: germline. Inheritance: Autosomal dominant inheritance. Affected: yes.

Labcorp Genetics (formerly Invitae), Labcorp
Classification: Likely pathogenic for RASopathy. Last evaluated: 2023-03-30. Review status: criteria provided, single submitter. Criteria: Invitae Variant Classification Sherloc (09022015). Collection method: clinical testing. Allele origin: germline.
Comment: In summary, the currently available evidence indicates that the variant is pathogenic, but additional data are needed to prove that conclusively. Therefore, this variant has been classified as Likely Pathogenic. Advanced modeling of protein sequence and biophysical properties (such as structural, functional, and spatial information, amino acid conservation, physicochemical variation, residue mobility, and thermodynamic stability) performed at Invitae indicates that this missense variant is expected to disrupt RAF1 protein function. ClinVar contains an entry for this variant (Variation ID: 40617). This missense change has been observed in individuals with clinical features of Noonan syndrome (PMID: 31560489; Invitae). This variant is not present in population databases (gnomAD no frequency). This sequence change replaces phenylalanine, which is neutral and non-polar, with leucine, which is neutral and non-polar, at codon 475 of the RAF1 protein (p.Phe475Leu).

Laboratory for Molecular Medicine, Mass General Brigham Personalized Medicine
Classification: Likely pathogenic for Noonan syndrome. Last evaluated: 2017-07-12. Review status: criteria provided, single submitter. Criteria: LMM Criteria. Collection method: clinical testing. Allele origin: germline. Inheritance: Autosomal dominant inheritance. Observed: 1 variant allele.
Comment: The p.Phe475Leu variant in RAF1 has been reported in 2 individuals with clinical features of Noonan syndrome, was de novo in 1 of those individuals, and segrega ted with disease in 2 affected relatives from 1 family (personal communication, GeneDx). It was absent from large population studies. Computational prediction t ools and conservation analysis suggest that the p.Phe475Leu variant may impact t he protein, though this information is not predictive enough to determine pathog enicity. In summary, although additional studies are required to fully establish its clinical significance, the p.Phe475Leu variant is likely pathogenic.

GeneDx
Classification: Pathogenic. Last evaluated: 2013-06-17. Review status: criteria provided, single submitter. Criteria: GeneDx Variant Classification (06012015). Collection method: clinical testing. Allele origin: germline. Affected: yes.
Comment: p.Phe475Leu (TTT>CTT): c.1423 T>C in exon 14 of the RAF1 gene (NM_002880.3). An F475L missense mutation was identified in the RAF1 gene. It has not been published as a mutation, nor has it been reported as a benign polymorphism to our knowledge. However, this mutation has been seen several times previously at GeneDx in one proband and segregating with disease in another unrelated family; all were reported to have phenotypes consistent with the diagnosis of a disorder of the Noonan-CFC-Costello syndrome spectrum. F475L is a semi-conservative amino acid substitution with a non-polar aromatic residue (Phe) being replaced by a non-polar aliphatic residue (Leu). The position at which this mutation occurs is highly conserved across species and is located within 1 of 3 exons where all published mutations have been reported (Pandit et al., 2007 and Razzaque et al., 2007). In silico analysis (PolyPhen) predicts that this sequence variant is probably damaging to protein structure/function. Therefore, F475L is considered to be a disease-causing mutation consistent with the diagnosis. The variant is found in NOONAN panel(s).

Service de Génétique Moléculaire, Hôpital Robert Debré
Classification: Likely pathogenic for Noonan syndrome. Review status: no assertion criteria provided. Collection method: clinical testing. Allele origin: de novo. Affected: yes. Not counted in ClinVar's aggregate classification.

Literature cited by the submitters: PubMed 17603482 (cited by Victorian Clinical Genetics Services, Murdoch Childrens Research Institute); PubMed 17603483 (cited by Victorian Clinical Genetics Services, Murdoch Childrens Research Institute); PubMed 31560489 (cited by Victorian Clinical Genetics Services, Murdoch Childrens Research Institute and Labcorp Genetics (formerly Invitae), Labcorp).

NM_002880.4(RAF1):c.1423T>C (p.Phe475Leu)

Gene: RAF1 (Raf-1 proto-oncogene, serine/threonine kinase; minus strand). Cytogenetic location: 3p25.2.
Variant type: single nucleotide variant.
Coding change: c.1423T>C on transcript NM_002880.4 (MANE Select); coding-DNA position 1423, T replaced by C.
Protein change: p.Phe475Leu; replaces phenylalanine 475 with leucine.
Molecular consequence: missense variant. On other transcripts: non-coding transcript variant (3).
Genome position (GRCh38, 1-based): chr3:12,585,794, A>G on the plus strand (T>C on the coding strand, the complement: RAF1 is on the minus strand). VCF-style: chr3-12585794-A-G. GRCh37 (hg19) VCF-style: chr3-12627293-A-G.
Other names: p.F475L:TTT>CTT; c.1483T>C, p.Phe495Leu (NM_001354689.3); c.1423T>C, p.Phe475Leu (NM_001354690.3); c.1180T>C, p.Phe394Leu (NM_001354691.3, NM_001354692.3); c.1324T>C, p.Phe442Leu (NM_001354693.3); c.1240T>C, p.Phe414Leu (NM_001354694.3); c.1081T>C, p.Phe361Leu (NM_001354695.3); short protein forms F475L, F495L, F394L, F361L, F414L, F442L.
Identifiers: ClinVar variation 40617 (VCV000040617.15), dbSNP rs730881003, ClinGen allele CA297130.